The following is an entry in ClinVar:

ClinVar aggregate classification (germline): Benign/Likely benign. Review status: criteria provided, multiple submitters, no conflicts (2 of 4 stars). 4 submissions from 4 submitters: Benign (1); Likely benign (3). Last evaluated 2026-01-05.

Conditions:
Lymphangiomyomatosis (LAM). Also called: Lymphangioleiomyomatosis; Lymphangioleiomyomatosis, somatic. Identifiers: Orphanet 538, MedGen C0751674, MONDO:0011705, OMIM 606690.
Isolated focal cortical dysplasia type II (FCORD2). Also called: Focal cortical dysplasia type II; CORTICAL DYSPLASIA OF TAYLOR. Identifiers: Orphanet 268994, MedGen C1846385, MONDO:0011818, OMIM 607341, HP:0032051.
Tuberous sclerosis 2 (TSC2). Identifiers: Orphanet 805, MedGen C1860707, MONDO:0013199, OMIM 613254.

Allele frequency attached by ClinVar (database versions not stated): gnomAD 0.00001 and 0.00002; ExAC 0.00002; gnomAD exomes 0.00002; TOPMed 0.00002.
gnomAD v4.1: 30 of 1,613,816 alleles (0.0019%); highest among the groups gnomAD compares: Middle Eastern, 0.016%; no homozygotes.

Submissions (4):

Labcorp Genetics (formerly Invitae), Labcorp
Classification: Likely benign for Tuberous sclerosis 2. Last evaluated: 2026-01-05. Review status: criteria provided, single submitter. Criteria: Invitae Variant Classification Sherloc (09022015). Collection method: clinical testing. Allele origin: germline.

Myriad Genetics, Inc.
Classification: Benign for Tuberous sclerosis 2. Last evaluated: 2025-05-12. Review status: criteria provided, single submitter. Criteria: Myriad Autosomal Dominant, Autosomal Recessive and X-Linked Classification Criteria (2023). Collection method: clinical testing. Allele origin: unknown.
Comment: This variant is considered benign. This variant is intronic and is not expected to impact mRNA splicing. This variant has been observed at a population frequency that is significantly greater than expected given the associated disease prevalence and penetrance.

Blueprint Genetics
Classification: Likely benign. Last evaluated: 2023-12-27. Review status: criteria provided, single submitter. Criteria: ACMG Guidelines, 2015. Collection method: clinical testing. Allele origin: germline.

Fulgent Genetics
Classification: Likely benign for Lymphangiomyomatosis; Isolated focal cortical dysplasia type II; Tuberous sclerosis 2. Last evaluated: 2021-12-06. Review status: criteria provided, single submitter. Criteria: ACMG Guidelines, 2015. Collection method: clinical testing. Allele origin: unknown.

NM_000548.5(TSC2):c.976-16C>T

Gene: TSC2 (TSC complex subunit 2; plus strand). Cytogenetic location: 16p13.3.
Variant type: single nucleotide variant.
Coding change: c.976-16C>T on transcript NM_000548.5 (MANE Select); 16 bases into the intron before coding-DNA position 976, C replaced by T.
Molecular consequence: intron variant.
Genome position (GRCh38, 1-based): chr16:2,060,654, C>T. VCF-style: chr16-2060654-C-T. GRCh37 (hg19) VCF-style: chr16-2110655-C-T.
Other names: c.976-16C>T (NM_001114382.3, NM_021055.3, NM_001370405.1 and 3 more transcripts); c.865-16C>T (NM_001318827.2); c.376-16C>T (NM_001318831.2); c.829-16C>T (NM_001318829.2); c.1009-16C>T (NM_001318832.2).
Identifiers: ClinVar variation 1588724 (VCV001588724.11), dbSNP rs773016098, ClinGen allele CA056805.